The following is an entry in ClinVar:

ClinVar aggregate classification (germline): Conflicting classifications of pathogenicity. Review status: criteria provided, conflicting classifications (1 of 4 stars). 2 submissions from 2 submitters: Uncertain significance (1); Likely benign (1). Last evaluated 2026-06-11.

Conditions:
TCF4-related disorder. Also called: TCF4-related condition.
Pitt-Hopkins syndrome (PTHS). Also called: ENCEPHALOPATHY, SEVERE EPILEPTIC, WITH AUTONOMIC DYSFUNCTION; MENTAL RETARDATION, SYNDROMAL, WITH INTERMITTENT HYPERVENTILATION. Identifiers: Orphanet 2896, MedGen C1970431, MONDO:0012589, OMIM 610954.

gnomAD v4.1: 1 of 1,614,084 alleles (0.000062%); highest among the groups gnomAD compares: Non-Finnish European, 0.000085%; no homozygotes.

Submissions (2):

PreventionGenetics, part of Exact Sciences
Classification: Uncertain significance for TCF4-related condition. Last evaluated: 2026-06-11. Review status: criteria provided, single submitter. Criteria: ACMG Guidelines, 2015. Collection method: clinical testing. Allele origin: germline.
Comment: The TCF4 c.1951C>A variant is predicted to result in the amino acid substitution p.Pro651Thr. To our knowledge, this variant has not been reported in the literature or in a large population database (gnomAD), indicating the variant is rare. At this time, the clinical significance of this variant is uncertain due to the absence of conclusive functional and genetic evidence.

Labcorp Genetics (formerly Invitae), Labcorp
Classification: Likely benign for Pitt-Hopkins syndrome. Last evaluated: 2023-08-04. Review status: criteria provided, single submitter. Criteria: Invitae Variant Classification Sherloc (09022015). Collection method: clinical testing. Allele origin: germline.

NM_001083962.2(TCF4):c.1951C>A (p.Pro651Thr)

Gene: TCF4 (transcription factor 4; minus strand). Cytogenetic location: 18q21.2.
Variant type: single nucleotide variant.
Coding change: c.1951C>A on transcript NM_001083962.2 (MANE Select); coding-DNA position 1951, C replaced by A.
Protein change: p.Pro651Thr; replaces proline 651 with threonine.
Molecular consequence: missense variant.
Genome position (GRCh38, 1-based): chr18:55,228,290, G>T on the plus strand (C>A on the coding strand, the complement: TCF4 is on the minus strand). VCF-style: chr18-55228290-G-T. GRCh37 (hg19) VCF-style: chr18-52895521-G-T.
Other names: c.1951C>A, p.Pro651Thr (NM_001369567.1, NM_001369568.1); c.1948C>A, p.Pro650Thr (NM_001369569.1, NM_001369570.1, NM_001330604.3); c.1939C>A, p.Pro647Thr (NM_001369571.1, NM_001369572.1, NM_003199.3); c.1936C>A, p.Pro646Thr (NM_001369573.1, NM_001369574.1); c.1879C>A, p.Pro627Thr (NM_001369575.1, NM_001243227.2, NM_001348217.1 and 1 more transcripts); c.1876C>A, p.Pro626Thr (NM_001369576.1, NM_001369577.1, NM_001369578.1 and 3 more transcripts); c.1882C>A, p.Pro628Thr (NM_001369586.1); c.1951C>A (NM_001083962.1); and 15 more; short protein forms P521T, P609T, P651T, P753T, P435T, P486T, P491T, P605T.
Identifiers: ClinVar variation 2824393 (VCV002824393.4), dbSNP rs549600113, ClinGen allele CA402527665.